The following is an entry in ClinVar:

ClinVar aggregate classification (germline): Uncertain significance. Review status: criteria provided, multiple submitters, no conflicts (2 of 4 stars). 2 submissions from 2 submitters: Uncertain significance (2). Last evaluated 2024-12-21.

Conditions:
Hereditary cancer-predisposing syndrome. Also called: Hereditary neoplastic syndrome; Neoplastic Syndromes, Hereditary; Hereditary Cancer Syndrome; Tumor predisposition. Identifiers: Orphanet 140162, MedGen C0027672, MeSH D009386, MONDO:0015356.
Retinoblastoma (RB1). Also called: RETINOBLASTOMA, SOMATIC. Identifiers: Orphanet 790, MedGen C0035335, MeSH D012175, MONDO:0008380, OMIM 180200, HP:0009919. Disease mechanism: loss of function. Inheritance: Both sporadic and heritable forms are tested..

gnomAD v4.1: 1 of 1,614,230 alleles (0.000062%); highest among the groups gnomAD compares: Non-Finnish European, 0.000085%; no homozygotes.

Submissions (2):

Ambry Genetics
Classification: Uncertain significance for Hereditary cancer-predisposing syndrome. Last evaluated: 2024-12-21. Review status: criteria provided, single submitter. Criteria: Ambry Variant Classification Scheme 2023. Collection method: clinical testing. Allele origin: germline.
Comment: The p.S634L variant (also known as c.1901C>T), located in coding exon 19 of the RB1 gene, results from a C to T substitution at nucleotide position 1901. The serine at codon 634 is replaced by leucine, an amino acid with dissimilar properties. This amino acid position is conserved. In addition, the in silico prediction for this alteration is inconclusive. Based on the available evidence, the clinical significance of this variant remains unclear.

Labcorp Genetics (formerly Invitae), Labcorp
Classification: Uncertain significance for Retinoblastoma. Last evaluated: 2024-01-31. Review status: criteria provided, single submitter. Criteria: Invitae Variant Classification Sherloc (09022015). Collection method: clinical testing. Allele origin: germline.
Comment: This sequence change replaces serine, which is neutral and polar, with leucine, which is neutral and non-polar, at codon 634 of the RB1 protein (p.Ser634Leu). This variant is not present in population databases (gnomAD no frequency). This variant has not been reported in the literature in individuals affected with RB1-related conditions. Advanced modeling of protein sequence and biophysical properties (such as structural, functional, and spatial information, amino acid conservation, physicochemical variation, residue mobility, and thermodynamic stability) performed at Invitae indicates that this missense variant is not expected to disrupt RB1 protein function with a negative predictive value of 80%. In summary, the available evidence is currently insufficient to determine the role of this variant in disease. Therefore, it has been classified as a Variant of Uncertain Significance.

NM_000321.3(RB1):c.1901C>T (p.Ser634Leu)

Gene: RB1 (RB transcriptional corepressor 1; plus strand). Cytogenetic location: 13q14.2.
Variant type: single nucleotide variant.
Coding change: c.1901C>T on transcript NM_000321.3 (MANE Select); coding-DNA position 1901, C replaced by T.
Protein change: p.Ser634Leu; replaces serine 634 with leucine.
Molecular consequence: missense variant.
Genome position (GRCh38, 1-based): chr13:48,456,290, C>T. VCF-style: chr13-48456290-C-T. GRCh37 (hg19) VCF-style: chr13-49030426-C-T.
Other names: c.1901C>T, p.Ser634Leu (NM_001407165.1); short protein forms S634L.
Identifiers: ClinVar variation 3714380 (VCV003714380.3).